The following is an entry in ClinVar:

NM_133497.4(KCNV2):c.884G>T (p.Gly295Val)

Gene: KCNV2 (potassium voltage-gated channel modifier subfamily V member 2; plus strand). Cytogenetic location: 9p24.2.
Variant type: single nucleotide variant.
Coding change: c.884G>T on transcript NM_133497.4 (MANE Select); coding-DNA position 884, G replaced by T.
Protein change: p.Gly295Val; replaces glycine 295 with valine.
Molecular consequence: missense variant.
Genome position (GRCh38, 1-based): chr9:2,718,623, G>T. VCF-style: chr9-2718623-G-T. GRCh37 (hg19) VCF-style: chr9-2718623-G-T.
Other names: c.884G>T (NM_133497.3); short protein forms G295V.
Identifiers: ClinVar variation 1037150 (VCV001037150.10), dbSNP rs1413463889, ClinGen allele CA372799837.

ClinVar aggregate classification (germline): Uncertain significance. Review status: criteria provided, multiple submitters, no conflicts (2 of 4 stars). 2 submissions from 2 submitters: Uncertain significance (2). Last evaluated 2024-10-12.

Conditions:
Inborn genetic diseases. Identifiers: MedGen C0950123, MeSH D030342.

Allele frequency attached by ClinVar (database versions not stated): gnomAD exomes 0.00001.
gnomAD v4.1: 6 of 1,613,018 alleles (0.00037%); highest among the groups gnomAD compares: South Asian, 0.0044%; 1 homozygote.

Submissions (2):

Ambry Genetics
Classification: Uncertain significance for Inborn genetic diseases. Last evaluated: 2024-10-12. Review status: criteria provided, single submitter. Criteria: Ambry Variant Classification Scheme 2023. Collection method: clinical testing. Allele origin: germline.

Labcorp Genetics (formerly Invitae), Labcorp
Classification: Uncertain significance. Last evaluated: 2022-09-01. Review status: criteria provided, single submitter. Criteria: Invitae Variant Classification Sherloc (09022015). Collection method: clinical testing. Allele origin: germline.
Comment: In summary, the available evidence is currently insufficient to determine the role of this variant in disease. Therefore, it has been classified as a Variant of Uncertain Significance. Advanced modeling of protein sequence and biophysical properties (such as structural, functional, and spatial information, amino acid conservation, physicochemical variation, residue mobility, and thermodynamic stability) performed at Invitae indicates that this missense variant is not expected to disrupt KCNV2 protein function. ClinVar contains an entry for this variant (Variation ID: 1037150). This variant has not been reported in the literature in individuals affected with KCNV2-related conditions. This variant is present in population databases (no rsID available, gnomAD 0.003%). This sequence change replaces glycine, which is neutral and non-polar, with valine, which is neutral and non-polar, at codon 295 of the KCNV2 protein (p.Gly295Val).